The following is an entry in ClinVar:

ClinVar aggregate classification (germline): Uncertain significance. Review status: criteria provided, multiple submitters, no conflicts (2 of 4 stars). 6 submissions from 6 submitters: Uncertain significance (4). 2 of the submissions do not count toward it. Last evaluated 2026-04-02.

Conditions:
Inborn genetic diseases. Identifiers: MedGen C0950123, MeSH D030342.

Allele frequency attached by ClinVar (database versions not stated): gnomAD exomes 0.00004; ExAC 0.00009; ESP Exome Variant Server 0.00016; TOPMed 0.00005.
gnomAD v4.1: 179 of 1,610,650 alleles (0.011%); highest among the groups gnomAD compares: Non-Finnish European, 0.014%; no homozygotes.

Submissions (6):

GeneDx
Classification: Uncertain significance. Last evaluated: 2026-04-02. Review status: criteria provided, single submitter. Criteria: GeneDx Variant Classification Process June 2021. Collection method: clinical testing. Allele origin: germline.
Comment: In silico analysis supports that this missense variant has a deleterious effect on protein structure/function; Has not been previously published as pathogenic or benign to our knowledge

Ambry Genetics
Classification: Uncertain significance for Inborn genetic diseases. Last evaluated: 2025-11-19. Review status: criteria provided, single submitter. Criteria: Ambry Variant Classification Scheme 2023. Collection method: clinical testing. Allele origin: germline.

Labcorp Genetics (formerly Invitae), Labcorp
Classification: Uncertain significance. Last evaluated: 2024-02-28. Review status: criteria provided, single submitter. Criteria: Invitae Variant Classification Sherloc (09022015). Collection method: clinical testing. Allele origin: germline.
Comment: This sequence change replaces glutamic acid, which is acidic and polar, with glutamine, which is neutral and polar, at codon 1147 of the MYH14 protein (p.Glu1147Gln). This variant is present in population databases (rs200299854, gnomAD 0.009%). This variant has not been reported in the literature in individuals affected with MYH14-related conditions. ClinVar contains an entry for this variant (Variation ID: 1328071). Advanced modeling of protein sequence and biophysical properties (such as structural, functional, and spatial information, amino acid conservation, physicochemical variation, residue mobility, and thermodynamic stability) performed at Invitae indicates that this missense variant is expected to disrupt MYH14 protein function with a positive predictive value of 80%. In summary, the available evidence is currently insufficient to determine the role of this variant in disease. Therefore, it has been classified as a Variant of Uncertain Significance.

Mayo Clinic Laboratories, Mayo Clinic
Classification: Uncertain significance. Last evaluated: 2022-08-03. Review status: criteria provided, single submitter. Criteria: ACMG Guidelines, 2015. Collection method: clinical testing. Allele origin: germline. Observed: 1 variant allele.
Comment: BS2, PP3

Clinical Genetics, Academic Medical Center
Classification: Uncertain significance. Review status: no assertion criteria provided. Collection method: clinical testing. Allele origin: germline. Affected: yes. Study: VKGL Data-share Consensus. Not counted in ClinVar's aggregate classification.

Joint Genome Diagnostic Labs from Nijmegen and Maastricht, Radboudumc and MUMC+
Classification: Uncertain significance. Review status: no assertion criteria provided. Collection method: clinical testing. Allele origin: germline. Affected: yes. Study: VKGL Data-share Consensus. Not counted in ClinVar's aggregate classification.

NM_001145809.2(MYH14):c.3562G>C (p.Glu1188Gln)

Gene: MYH14 (myosin heavy chain 14; plus strand). Cytogenetic location: 19q13.33.
Variant type: single nucleotide variant.
Coding change: c.3562G>C on transcript NM_001145809.2 (MANE Select); coding-DNA position 3562, G replaced by C.
Protein change: p.Glu1188Gln; replaces glutamic acid 1188 with glutamine.
Molecular consequence: missense variant.
Genome position (GRCh38, 1-based): chr19:50,276,085, G>C. VCF-style: chr19-50276085-G-C. GRCh37 (hg19) VCF-style: chr19-50779342-G-C.
Other names: p.Glu1147Gln; c.3463G>C, p.Glu1155Gln (NM_001077186.2); c.3439G>C, p.Glu1147Gln (NM_024729.4); short protein forms E1147Q, E1155Q, E1188Q.
Identifiers: ClinVar variation 1328071 (VCV001328071.13), dbSNP rs200299854, ClinGen allele CA9593253.